The following is an entry in ClinVar:

NM_006904.7(PRKDC):c.17C>G (p.Ala6Gly)

Genes: PRKDC (protein kinase, DNA-activated, catalytic subunit; minus strand), LOC129929030 (ATAC-STARR-seq lymphoblastoid silent region 19177; plus strand). Cytogenetic location: 8q11.21.
Variant type: single nucleotide variant.
Coding change: c.17C>G on transcript NM_006904.7 (MANE Select); coding-DNA position 17, C replaced by G.
Protein change: p.Ala6Gly; replaces alanine 6 with glycine.
Molecular consequence: missense variant.
Genome position (GRCh38, 1-based): chr8:47,960,110, G>C on the plus strand (C>G on the coding strand, the complement: PRKDC is on the minus strand). VCF-style: chr8-47960110-G-C. GRCh37 (hg19) VCF-style: chr8-48872670-G-C.
Other names: c.17C>G, p.Ala6Gly (NM_001081640.2); short protein forms A6G.
Identifiers: ClinVar variation 2564532 (VCV002564532.2), dbSNP rs754453280, ClinGen allele CA371143114.

ClinVar aggregate classification (germline): Uncertain significance (1 of 4 stars; one submission).

Submission:

Ambry Genetics
Classification: Uncertain significance. Last evaluated: 2023-04-23. Review status: criteria provided, single submitter. Criteria: Ambry Variant Classification Scheme 2023. Collection method: clinical testing. Allele origin: germline.
Comment: The p.A6G variant (also known as c.17C>G), located in coding exon 1 of the PRKDC gene, results from a C to G substitution at nucleotide position 17. The alanine at codon 6 is replaced by glycine, an amino acid with similar properties. This amino acid position is conserved. In addition, this alteration is predicted to be tolerated by in silico analysis. Since supporting evidence is limited at this time, the clinical significance of this alteration remains unclear.